The following is an entry in ClinVar:

NM_006648.4(WNK2):c.5158A>T (p.Thr1720Ser)

Gene: WNK2 (WNK lysine deficient protein kinase 2; plus strand). Cytogenetic location: 9q22.31.
Variant type: single nucleotide variant.
Coding change: c.5158A>T on transcript NM_006648.4 (MANE Select); coding-DNA position 5158, A replaced by T.
Protein change: p.Thr1720Ser; replaces threonine 1720 with serine.
Molecular consequence: missense variant.
Genome position (GRCh38, 1-based): chr9:93,292,623, A>T. VCF-style: chr9-93292623-A-T. GRCh37 (hg19) VCF-style: chr9-96054905-A-T.
Other names: c.5269A>T, p.Thr1757Ser (NM_001282394.3); short protein forms T1720S, T1757S.
Identifiers: ClinVar variation 5031993 (VCV005031993.1).

ClinVar aggregate classification (germline): Uncertain significance (1 of 4 stars; one submission).

Submission:

Ambry Genetics
Classification: Uncertain significance. Last evaluated: 2026-09-12. Review status: criteria provided, single submitter. Criteria: Ambry Variant Classification Scheme 2023. Collection method: clinical testing. Allele origin: germline.
Comment: The p.T1720S variant (also known as c.5158A>T), located in coding exon 22 of the WNK2 gene, results from an A to T substitution at nucleotide position 5158. The threonine at codon 1720 is replaced by serine, an amino acid with similar properties. This amino acid position is conserved. In addition, this alteration is predicted to be tolerated by in silico analysis. Based on the available evidence, the clinical significance of this variant remains unclear.